The following is an entry in ClinVar:

NC_000003.12:g.(?_14125184)_(14141805_?)dup

Gene: TMEM43 (transmembrane protein 43; plus strand). Cytogenetic location: 3p25.1.
Variant type: Duplication.
Identifiers: ClinVar variation 832861 (VCV000832861.1).

ClinVar aggregate classification (germline): Uncertain significance (1 of 4 stars; one submission).

Conditions:
Arrhythmogenic right ventricular dysplasia 5. Also called: ARRHYTHMOGENIC RIGHT VENTRICULAR DYSPLASIA, FAMILIAL, 5; Arrhythmogenic Right Ventricular Dysplasia/Cardiomyopathy 5. Identifiers: MedGen C1858379, MONDO:0011459, OMIM 604400.

Submission:

Labcorp Genetics (formerly Invitae), Labcorp
Classification: Uncertain significance for Arrhythmogenic right ventricular cardiomyopathy, type 5. Last evaluated: 2019-05-22. Review status: criteria provided, single submitter. Criteria: Invitae Variant Classification Sherloc (09022015). Collection method: clinical testing. Allele origin: germline.
Comment: This variant results in a copy number gain of the genomic region encompassing the full coding sequence of the TMEM43 gene. The boundaries of this event are unknown as they extend beyond the assayed region for this gene and therefore may encompass additional genes. As the precise location of this event is unknown, it may be in tandem or it may be located elsewhere in the genome. This variant has not been reported in the literature in individuals with TMEM43-related conditions. In summary, the available evidence is currently insufficient to determine the role of this variant in disease. Therefore, it has been classified as a Variant of Uncertain Significance.